The following is an entry in ClinVar:

NM_001378615.1(CC2D2A):c.2077G>A (p.Val693Met)

Genes: CC2D2A (coiled-coil and C2 domain containing 2A; plus strand), FBXL5 (F-box and leucine rich repeat protein 5; minus strand). Cytogenetic location: 4p15.32.
Variant type: single nucleotide variant.
Coding change: c.2077G>A on transcript NM_001378615.1 (MANE Select); coding-DNA position 2077, G replaced by A.
Protein change: p.Val693Met; replaces valine 693 with methionine.
Molecular consequence: missense variant.
Genome position (GRCh38, 1-based): chr4:15,540,910, G>A. VCF-style: chr4-15540910-G-A. GRCh37 (hg19) VCF-style: chr4-15542533-G-A.
Other names: c.1930G>A, p.Val644Met (NM_001378617.1); c.2077G>A, p.Val693Met (NM_001080522.2); short protein forms V644M, V693M.
Identifiers: ClinVar variation 1348744 (VCV001348744.5), dbSNP rs1402828879, ClinGen allele CA356413472.

ClinVar aggregate classification (germline): Uncertain significance (1 of 4 stars; one submission).

Conditions:
Joubert syndrome. Also called: JOUBERT-BOLTSHAUSER SYNDROME; Familial aplasia of the vermis. Identifiers: Orphanet 475, MedGen C5979921, MONDO:0018772.
Meckel-Gruber syndrome. Also called: DYSENCEPHALIA SPLANCHNOCYSTICA; GRUBER SYNDROME; Dysencephalia splachnocystica. Identifiers: Orphanet 564, MedGen C0265215, MONDO:0018921.

Allele frequency attached by ClinVar (database versions not stated): gnomAD exomes below 0.00001; TOPMed below 0.00001; gnomAD 0.00001.
gnomAD v4.1: 2 of 1,586,988 alleles (0.00013%); highest among the groups gnomAD compares: African/African-American, 0.0013%; no homozygotes.

Submission:

Labcorp Genetics (formerly Invitae), Labcorp
Classification: Uncertain significance for Joubert syndrome; Meckel-Gruber syndrome. Last evaluated: 2022-10-04. Review status: criteria provided, single submitter. Criteria: Invitae Variant Classification Sherloc (09022015). Collection method: clinical testing. Allele origin: germline.
Comment: This sequence change replaces valine, which is neutral and non-polar, with methionine, which is neutral and non-polar, at codon 693 of the CC2D2A protein (p.Val693Met). This variant is not present in population databases (gnomAD no frequency). This variant has not been reported in the literature in individuals affected with CC2D2A-related conditions. ClinVar contains an entry for this variant (Variation ID: 1348744). Advanced modeling of protein sequence and biophysical properties (such as structural, functional, and spatial information, amino acid conservation, physicochemical variation, residue mobility, and thermodynamic stability) has been performed at Invitae for this missense variant, however the output from this modeling did not meet the statistical confidence thresholds required to predict the impact of this variant on CC2D2A protein function. In summary, the available evidence is currently insufficient to determine the role of this variant in disease. Therefore, it has been classified as a Variant of Uncertain Significance.